The following is an entry in ClinVar:

NM_001330360.2(POLA1):c.1114T>A (p.Trp372Arg)

Gene: POLA1 (DNA polymerase alpha 1, catalytic subunit; plus strand). Cytogenetic location: Xp22.11.
Variant type: single nucleotide variant.
Coding change: c.1114T>A on transcript NM_001330360.2 (MANE Select); coding-DNA position 1114, T replaced by A.
Protein change: p.Trp372Arg; replaces tryptophan 372 with arginine.
Molecular consequence: missense variant. On other transcripts: non-coding transcript variant (2).
Genome position (GRCh38, 1-based): chrX:24,723,181, T>A. VCF-style: chrX-24723181-T-A. GRCh37 (hg19) VCF-style: chrX-24741298-T-A.
Other names: c.1114T>A, p.Trp372Arg (NM_001378303.1); c.1096T>A, p.Trp366Arg (NM_016937.4); short protein forms W366R, W372R.
Identifiers: ClinVar variation 2268580 (VCV002268580.2), dbSNP rs2518779009, ClinGen allele CA412531930.

ClinVar aggregate classification (germline): Uncertain significance (1 of 4 stars; one submission).

Conditions:
Inborn genetic diseases. Identifiers: MedGen C0950123, MeSH D030342.

Submission:

Ambry Genetics
Classification: Uncertain significance for Inborn genetic diseases. Last evaluated: 2022-01-21. Review status: criteria provided, single submitter. Criteria: Ambry Variant Classification Scheme 2023. Collection method: clinical testing. Allele origin: germline.
Comment: The c.1096T>A (p.W366R) alteration is located in exon 11 (coding exon 11) of the POLA1 gene. This alteration results from a T to A substitution at nucleotide position 1096, causing the tryptophan (W) at amino acid position 366 to be replaced by an arginine (R). This variant was not reported in population-based cohorts in the Genome Aggregation Database (gnomAD). This amino acid position is well conserved in available vertebrate species. This alteration is predicted to be deleterious by in silico analysis. Based on insufficient or conflicting evidence, the clinical significance of this alteration remains unclear.